The following is an entry in ClinVar:

ClinVar aggregate classification (germline): Pathogenic (1 of 4 stars; one submission).

Allele frequency attached by ClinVar (database versions not stated): gnomAD exomes below 0.00001; gnomAD 0.00001; TOPMed below 0.00001.

Submission:

Labcorp Genetics (formerly Invitae), Labcorp
Classification: Pathogenic. Last evaluated: 2022-12-02. Review status: criteria provided, single submitter. Criteria: Invitae Variant Classification Sherloc (09022015). Collection method: clinical testing. Allele origin: germline.
Comment: This sequence change creates a premature translational stop signal (p.Val25Glyfs*32) in the SLC45A2 gene. It is expected to result in an absent or disrupted protein product. Loss-of-function variants in SLC45A2 are known to be pathogenic (PMID: 21458243, 26573111). For these reasons, this variant has been classified as Pathogenic. This variant has not been reported in the literature in individuals affected with SLC45A2-related conditions. This variant is not present in population databases (gnomAD no frequency).

Literature cited by the submitters: PubMed 21458243; PubMed 26573111.

NM_016180.5(SLC45A2):c.74del (p.Val25fs)

Gene: SLC45A2 (solute carrier family 45 member 2; minus strand). Cytogenetic location: 5p13.2.
Variant type: Deletion.
Coding change: c.74del on transcript NM_016180.5 (MANE Select); coding-DNA position 74, one base deleted (T; older notation c.74delT).
Protein change: p.Val25fs; shifts the reading frame from valine 25.
Molecular consequence: frameshift variant.
Genome position (GRCh38, 1-based): chr5:33,984,510, A deleted on the plus strand (T on the coding strand, the reverse complement: SLC45A2 is on the minus strand). VCF-style (leftmost placement, unchanged base first): chr5-33984509-CA-C. GRCh37 (hg19) VCF-style: chr5-33984614-CA-C.
Other names: c.74del, p.Val25fs (NM_001012509.4, NM_001297417.4); short protein forms V25fs.
Identifiers: ClinVar variation 2817856 (VCV002817856.3), dbSNP rs1753188795, ClinGen allele CA1074899675.